The following is an entry in ClinVar:

ClinVar aggregate classification (germline): Uncertain significance (1 of 4 stars; one submission).

Allele frequency attached by ClinVar (database versions not stated): gnomAD 0.00001; gnomAD exomes 0.00003 and 0.00007; ExAC 0.00008.
gnomAD v4.1: 47 of 1,607,620 alleles (0.0029%); highest among the groups gnomAD compares: South Asian, 0.037%; 1 homozygote.

Submission:

Labcorp Genetics (formerly Invitae), Labcorp
Classification: Uncertain significance. Last evaluated: 2025-01-11. Review status: criteria provided, single submitter. Criteria: Invitae Variant Classification Sherloc (09022015). Collection method: clinical testing. Allele origin: germline.
Comment: This sequence change replaces glutamic acid, which is acidic and polar, with lysine, which is basic and polar, at codon 585 of the EPS8L2 protein (p.Glu585Lys). This variant also falls at the last nucleotide of exon 18, which is part of the consensus splice site for this exon. This variant is present in population databases (rs770526607, gnomAD 0.04%). This variant has not been reported in the literature in individuals affected with EPS8L2-related conditions. ClinVar contains an entry for this variant (Variation ID: 1492026). An algorithm developed to predict the effect of missense changes on protein structure and function (PolyPhen-2) suggests that this variant¬†is likely to be tolerated. Variants that disrupt the consensus splice site are a relatively common cause of aberrant splicing (PMID: 17576681, 9536098). Algorithms developed to predict the effect of sequence changes on RNA splicing suggest that this variant may disrupt the consensus splice site. In summary, the available evidence is currently insufficient to determine the role of this variant in disease. Therefore, it has been classified as a Variant of Uncertain Significance.

Literature cited by the submitters: PubMed 17576681; PubMed 9536098.

NM_022772.4(EPS8L2):c.1753G>A (p.Glu585Lys)

Gene: EPS8L2 (EPS8 signaling adaptor L2; plus strand). Cytogenetic location: 11p15.5.
Variant type: single nucleotide variant.
Coding change: c.1753G>A on transcript NM_022772.4 (MANE Select); coding-DNA position 1753, G replaced by A.
Protein change: p.Glu585Lys; replaces glutamic acid 585 with lysine.
Molecular consequence: missense variant.
Genome position (GRCh38, 1-based): chr11:726,170, G>A. VCF-style: chr11-726170-G-A. GRCh37 (hg19) VCF-style: chr11-726170-G-A.
Other names: short protein forms E585K.
Identifiers: ClinVar variation 1492026 (VCV001492026.5), dbSNP rs770526607, ClinGen allele CA5787763.
Genomic context (GRCh38, chr11:726,170, plus strand): 5'-TACTGGGGCCCCGCCAGCCCGACCCACAAGCTACCCCCAAGCTTCCCGGGGAACAAAGAC[G>A]GTGAGAGCTGCTGCTTCGAGGCGGGGGTCCCGGGCCCAGGGCCACCTGGGGGAGGAAGTG-3'
Protein context (NP_073609.2, residues 575-595): LPPSFPGNKD[Glu585Lys]LMQHMDEVND